The following is an entry in ClinVar:

NM_017491.5(WDR1):c.568C>A (p.Arg190Ser)

Gene: WDR1 (WD repeat domain 1; minus strand). Cytogenetic location: 4p16.1.
Variant type: single nucleotide variant.
Coding change: c.568C>A on transcript NM_017491.5 (MANE Select); coding-DNA position 568, C replaced by A.
Protein change: p.Arg190Ser; replaces arginine 190 with serine.
Molecular consequence: missense variant.
Genome position (GRCh38, 1-based): chr4:10,088,732, G>T on the plus strand (C>A on the coding strand, the complement: WDR1 is on the minus strand). VCF-style: chr4-10088732-G-T. GRCh37 (hg19) VCF-style: chr4-10090356-G-T.
Other names: c.148C>A, p.Arg50Ser (NM_005112.5); short protein forms R190S, R50S.
Identifiers: ClinVar variation 1362607 (VCV001362607.8), dbSNP rs1046344594, ClinGen allele CA356362546.

ClinVar aggregate classification (germline): Uncertain significance (1 of 4 stars; one submission).

Submission:

Labcorp Genetics (formerly Invitae), Labcorp
Classification: Uncertain significance. Last evaluated: 2021-06-19. Review status: criteria provided, single submitter. Criteria: Invitae Variant Classification Sherloc (09022015). Collection method: clinical testing. Allele origin: germline.
Comment: This sequence change replaces arginine with serine at codon 190 of the WDR1 protein (p.Arg190Ser). The arginine residue is moderately conserved and there is a moderate physicochemical difference between arginine and serine. In summary, the available evidence is currently insufficient to determine the role of this variant in disease. Therefore, it has been classified as a Variant of Uncertain Significance. Algorithms developed to predict the effect of missense changes on protein structure and function are either unavailable or do not agree on the potential impact of this missense change (SIFT: "Deleterious"; PolyPhen-2: "Possibly Damaging"; Align-GVGD: "Class C0"). This variant has not been reported in the literature in individuals affected with WDR1-related conditions. This variant is not present in population databases (ExAC no frequency).